The following is an entry in ClinVar:

NM_006185.4(NUMA1):c.5385C>T (p.Asp1795=)

Genes: IL18BP (interleukin 18 binding protein; plus strand), NUMA1 (nuclear mitotic apparatus protein 1; minus strand). Cytogenetic location: 11q13.4.
Variant type: single nucleotide variant.
Coding change: c.5385C>T on transcript NM_006185.4 (MANE Select); coding-DNA position 5385, C replaced by T.
Protein change: p.Asp1795=; no amino-acid change (aspartic acid 1795 retained).
Molecular consequence: synonymous variant. On other transcripts: non-coding transcript variant (1).
Genome position (GRCh38, 1-based): chr11:72,007,267, G>A on the plus strand (C>T on the coding strand, the complement: NUMA1 is on the minus strand). VCF-style: chr11-72007267-G-A. GRCh37 (hg19) VCF-style: chr11-71718313-G-A.
Other names: c.5343C>T, p.Asp1781= (NM_001286561.2).
Identifiers: ClinVar variation 3051827 (VCV003051827.2), dbSNP rs147210888, ClinGen allele CA6166756.

ClinVar aggregate classification (germline): Likely benign (0 of 4 stars; one submission).

Conditions:
NUMA1-related disorder. Also called: NUMA1-related condition.

Allele frequency attached by ClinVar (database versions not stated): ExAC 0.00006; gnomAD 0.00028; TOPMed 0.00030; ESP Exome Variant Server 0.00046.
gnomAD v4.1: 168 of 1,612,852 alleles (0.01%); highest among the groups gnomAD compares: African/African-American, 0.079%; no homozygotes.

Submission:

PreventionGenetics, part of Exact Sciences
Classification: Likely benign for NUMA1-related condition. Last evaluated: 2020-02-24. Review status: no assertion criteria provided. Collection method: clinical testing. Allele origin: germline.
Comment: This variant is classified as likely benign based on ACMG/AMP sequence variant interpretation guidelines (Richards et al. 2015 PMID: 25741868, with internal and published modifications).